The following is an entry in ClinVar:

NM_138694.4(PKHD1):c.2593-1G>A

Gene: PKHD1 (PKHD1 ciliary IPT domain containing fibrocystin/polyductin; minus strand). Cytogenetic location: 6p12.2.
Variant type: single nucleotide variant.
Coding change: c.2593-1G>A on transcript NM_138694.4 (MANE Select); the canonical splice acceptor site of the intron before coding-DNA position 2593, G replaced by A.
Molecular consequence: splice acceptor variant.
Genome position (GRCh38, 1-based): chr6:52,045,089, C>T on the plus strand (G>A on the coding strand, the complement: PKHD1 is on the minus strand). VCF-style: chr6-52045089-C-T. GRCh37 (hg19) VCF-style: chr6-51909887-C-T.
Other names: c.2593-1G>A (NM_170724.3).
Identifiers: ClinVar variation 3645975 (VCV003645975.2).
Genomic context (GRCh38, chr6:52,045,089, plus strand): 5'-ATCATATACCACACGCGTGGCTGCAGCAGGATTCACTCCAGTAAGGTTTTCATCAGAGAC[C>T]TGAGATGGTTACATTTCTGGTAAATTCTGTCATGGAACCGAAATCTAATCTCGTCTAATC-3'

ClinVar aggregate classification (germline): Likely pathogenic (1 of 4 stars; one submission).

Conditions:
Autosomal recessive polycystic kidney disease (ARPKD). Also called: AR polycystic kidney disease. Identifiers: Orphanet 731, Orphanet 8378, MedGen C0085548, MeSH D017044, MONDO:0009889.

Submission:

Labcorp Genetics (formerly Invitae), Labcorp
Classification: Likely pathogenic for Autosomal recessive polycystic kidney disease. Last evaluated: 2026-01-14. Review status: criteria provided, single submitter. Criteria: Invitae Variant Classification Sherloc (09022015). Collection method: clinical testing. Allele origin: germline.
Comment: This sequence change affects an acceptor splice site in intron 24 of the PKHD1 gene. It is expected to disrupt RNA splicing. Variants that disrupt the donor or acceptor splice site typically lead to a loss of protein function (PMID: 16199547), and loss-of-function variants in PKHD1 are known to be pathogenic (PMID: 19940839). This variant is not present in population databases (gnomAD no frequency). This variant has not been reported in the literature in individuals affected with PKHD1-related conditions. ClinVar contains an entry for this variant (Variation ID: 3645975). Algorithms developed to predict the effect of sequence changes on RNA splicing suggest that this variant may disrupt the consensus splice site. In summary, the currently available evidence indicates that the variant is pathogenic, but additional data are needed to prove that conclusively. Therefore, this variant has been classified as Likely Pathogenic.

Literature cited by the submitters: PubMed 16199547; PubMed 19940839.